The following is an entry in ClinVar:

ClinVar aggregate classification (germline): Conflicting classifications of pathogenicity. Review status: criteria provided, conflicting classifications (1 of 4 stars). 2 submissions from 2 submitters: Uncertain significance (1); Likely benign (1). Last evaluated 2024-12-17.

Conditions:
Cardiovascular phenotype. Identifiers: MedGen CN230736.
Brugada syndrome. Also called: Sudden unexplained nocturnal death syndrome; Sudden unexpected nocturnal death syndrome; Sudden Unexplained Death Syndrome; Sudden Unexplained Nocturnal Death Syndrome (SUNDS). Identifiers: Orphanet 130, MedGen C1142166, MONDO:0015263.

Allele frequency attached by ClinVar (database versions not stated): TOPMed 0.00002; ExAC 0.00004.
gnomAD v4.1: 8 of 1,551,174 alleles (0.00052%); highest among the groups gnomAD compares: Admixed American, 0.013%; no homozygotes.

Submissions (2):

Labcorp Genetics (formerly Invitae), Labcorp
Classification: Uncertain significance for Brugada syndrome. Last evaluated: 2024-12-17. Review status: criteria provided, single submitter. Criteria: Invitae Variant Classification Sherloc (09022015). Collection method: clinical testing. Allele origin: germline.
Comment: This sequence change replaces leucine, which is neutral and non-polar, with isoleucine, which is neutral and non-polar, at codon 577 of the SCN10A protein (p.Leu577Ile). This variant is present in population databases (rs774336593, gnomAD 0.008%). This variant has not been reported in the literature in individuals affected with SCN10A-related conditions. ClinVar contains an entry for this variant (Variation ID: 1778921). Invitae Evidence Modeling of protein sequence and biophysical properties (such as structural, functional, and spatial information, amino acid conservation, physicochemical variation, residue mobility, and thermodynamic stability) indicates that this missense variant is not expected to disrupt SCN10A protein function with a negative predictive value of 95%. In summary, the available evidence is currently insufficient to determine the role of this variant in disease. Therefore, it has been classified as a Variant of Uncertain Significance.

Ambry Genetics
Classification: Likely benign for Cardiovascular phenotype. Last evaluated: 2021-04-19. Review status: criteria provided, single submitter. Criteria: Ambry Variant Classification Scheme 2023. Collection method: clinical testing. Allele origin: germline.

NM_006514.4(SCN10A):c.1729C>A (p.Leu577Ile)

Gene: SCN10A (sodium voltage-gated channel alpha subunit 10; minus strand). Cytogenetic location: 3p22.2.
Variant type: single nucleotide variant.
Coding change: c.1729C>A on transcript NM_006514.4 (MANE Select); coding-DNA position 1729, C replaced by A.
Protein change: p.Leu577Ile; replaces leucine 577 with isoleucine.
Molecular consequence: missense variant. On other transcripts: intron variant (1).
Genome position (GRCh38, 1-based): chr3:38,752,245, G>T on the plus strand (C>A on the coding strand, the complement: SCN10A is on the minus strand). VCF-style: chr3-38752245-G-T. GRCh37 (hg19) VCF-style: chr3-38793736-G-T.
Other names: c.1729C>A, p.Leu577Ile (NM_001293306.2); c.1462-2061C>A (NM_001293307.2); short protein forms L577I.
Identifiers: ClinVar variation 1778921 (VCV001778921.4), dbSNP rs774336593, ClinGen allele CA2320778.
Genomic context (GRCh38, chr3:38,752,245, plus strand): 5'-AGCCTGAGGGAGTCTGAAGCATTCACAAACTCACCGAGACATCGACAGCTCCAGGGGCAA[G>T]CTCACTAGTGGGCGGCGGTTGGTGTTCATCTTCTCCATGCCTGGAGTCAGGGTTGCTGGG-3'
Protein context (NP_006505.4, residues 567-587): DEHQPPPTSE[Leu577Ile]APGAVDVSAF